The following is an entry in ClinVar:

ClinVar aggregate classification (germline): Uncertain significance. Review status: criteria provided, multiple submitters, no conflicts (2 of 4 stars). 2 submissions from 2 submitters: Uncertain significance (2). Last evaluated 2026-06-18.

Conditions:
JAK1-related disorder. Also called: JAK1-related condition.

Allele frequency attached by ClinVar (database versions not stated): gnomAD exomes 0.00002 and 0.00005; TOPMed 0.00002; gnomAD 0.00003; ExAC 0.00005; 1000 Genomes Project 30x 0.00016; 1000 Genomes Project 0.00020.
gnomAD v4.1: 40 of 1,613,608 alleles (0.0025%); highest among the groups gnomAD compares: Middle Eastern, 0.033%; no homozygotes.

Submissions (2):

PreventionGenetics, part of Exact Sciences
Classification: Uncertain significance for JAK1-related condition. Last evaluated: 2026-06-18. Review status: criteria provided, single submitter. Criteria: ACMG Guidelines, 2015. Collection method: clinical testing. Allele origin: germline.
Comment: The JAK1 c.2580A>C variant is predicted to result in the amino acid substitution p.Lys860Asn. To our knowledge, this variant has not been reported in the literature. This variant is reported in 0.010% of alleles in individuals of Ashkenazi Jewish descent in gnomAD. At this time, the clinical significance of this variant is uncertain due to the absence of conclusive functional and genetic evidence.

Labcorp Genetics (formerly Invitae), Labcorp
Classification: Uncertain significance. Last evaluated: 2026-02-01. Review status: criteria provided, single submitter. Criteria: Invitae Variant Classification Sherloc (09022015). Collection method: clinical testing. Allele origin: germline.
Comment: This sequence change replaces lysine, which is basic and polar, with asparagine, which is neutral and polar, at codon 860 of the JAK1 protein (p.Lys860Asn). This variant is present in population databases (rs202179869, gnomAD 0.01%). This variant has not been reported in the literature in individuals affected with JAK1-related conditions. ClinVar contains an entry for this variant (Variation ID: 1345992). An algorithm developed to predict the effect of missense changes on protein structure and function (PolyPhen-2) suggests that this variant is likely to be tolerated. In summary, the available evidence is currently insufficient to determine the role of this variant in disease. Therefore, it has been classified as a Variant of Uncertain Significance.

NM_002227.4(JAK1):c.2580A>C (p.Lys860Asn)

Gene: JAK1 (Janus kinase 1; minus strand). Cytogenetic location: 1p31.3.
Variant type: single nucleotide variant.
Coding change: c.2580A>C on transcript NM_002227.4 (MANE Select); coding-DNA position 2580, A replaced by C.
Protein change: p.Lys860Asn; replaces lysine 860 with asparagine.
Molecular consequence: missense variant.
Genome position (GRCh38, 1-based): chr1:64,841,314, T>G on the plus strand (A>C on the coding strand, the complement: JAK1 is on the minus strand). VCF-style: chr1-64841314-T-G. GRCh37 (hg19) VCF-style: chr1-65306997-T-G.
Other names: c.2580A>C (NM_002227.3); c.2580A>C, p.Lys860Asn (NM_001320923.2, NM_001321852.2, NM_001321853.2 and 3 more transcripts); c.2577A>C, p.Lys859Asn (NM_001321857.2); short protein forms K860N, K859N.
Identifiers: ClinVar variation 1345992 (VCV001345992.9), dbSNP rs202179869, ClinGen allele CA892634.